The following is an entry in ClinVar:

NM_004360.5(CDH1):c.801T>C (p.Phe267=)

Gene: CDH1 (cadherin 1; plus strand). Cytogenetic location: 16q22.1.
Variant type: single nucleotide variant.
Coding change: c.801T>C on transcript NM_004360.5 (MANE Select); coding-DNA position 801, T replaced by C.
Protein change: p.Phe267=; no amino-acid change (phenylalanine 267 retained).
Molecular consequence: synonymous variant. On other transcripts: 5 prime UTR variant (2).
Genome position (GRCh38, 1-based): chr16:68,810,310, T>C. VCF-style: chr16-68810310-T-C. GRCh37 (hg19) VCF-style: chr16-68844213-T-C.
Other names: c.801T>C, p.Phe267= (NM_001317184.2); c.-815T>C (NM_001317185.2); c.-1019T>C (NM_001317186.2).
Identifiers: ClinVar variation 925924 (VCV000925924.14), dbSNP rs763703927, ClinGen allele CA8129933.

ClinVar aggregate classification (germline): Benign/Likely benign. Review status: criteria provided, multiple submitters, no conflicts (2 of 4 stars). 4 submissions from 4 submitters: Benign (1); Likely benign (3). Last evaluated 2026-01-14.

Conditions:
Hereditary diffuse gastric adenocarcinoma (HDGC). Also called: DIFFUSE GASTRIC AND LOBULAR BREAST CANCER SYNDROME. Identifiers: Orphanet 26106, MedGen C1708349, MONDO:0007648, OMIM 137215.
Hereditary cancer-predisposing syndrome. Also called: Tumor predisposition; Hereditary neoplastic syndrome; Neoplastic Syndromes, Hereditary; Hereditary Cancer Syndrome. Identifiers: Orphanet 140162, MedGen C0027672, MeSH D009386, MONDO:0015356.

Allele frequency attached by ClinVar (database versions not stated): gnomAD exomes 0.00002 and 0.00001; gnomAD 0.00001; ExAC 0.00002.
gnomAD v4.1: 20 of 1,614,014 alleles (0.0012%); highest among the groups gnomAD compares: South Asian, 0.021%; 2 homozygotes.

Submissions (4):

Labcorp Genetics (formerly Invitae), Labcorp
Classification: Likely benign for Hereditary diffuse gastric adenocarcinoma. Last evaluated: 2026-01-14. Review status: criteria provided, single submitter. Criteria: Invitae Variant Classification Sherloc (09022015). Collection method: clinical testing. Allele origin: germline.

Myriad Genetics, Inc.
Classification: Benign for Hereditary diffuse gastric adenocarcinoma. Last evaluated: 2024-09-16. Review status: criteria provided, single submitter. Criteria: Myriad Autosomal Dominant, Autosomal Recessive and X-Linked Classification Criteria (2023). Collection method: clinical testing. Allele origin: unknown.
Comment: This variant is considered benign. This variant is a silent/synonymous amino acid change and it is not expected to impact splicing.

Ambry Genetics
Classification: Likely benign for Hereditary cancer-predisposing syndrome. Last evaluated: 2021-02-22. Review status: criteria provided, single submitter. Criteria: Ambry Variant Classification Scheme 2023. Collection method: clinical testing. Allele origin: germline.

Color Diagnostics, LLC DBA Color Health
Classification: Likely benign for Hereditary cancer-predisposing syndrome. Last evaluated: 2019-04-08. Review status: criteria provided, single submitter. Criteria: ACMG Guidelines, 2015. Collection method: clinical testing. Allele origin: germline.